The following is an entry in ClinVar:

ClinVar aggregate classification (germline): Uncertain significance. Review status: criteria provided, multiple submitters, no conflicts (2 of 4 stars). 2 submissions from 2 submitters: Uncertain significance (2). Last evaluated 2026-01-14.

Conditions:
Inborn genetic diseases. Identifiers: MedGen C0950123, MeSH D030342.
ANKRD17-related disorder. Also called: ANKRD17-related condition.

Allele frequency attached by ClinVar (database versions not stated): gnomAD exomes below 0.00001; ExAC 0.00001; gnomAD 0.00002; TOPMed 0.00002; ESP Exome Variant Server 0.00008.
gnomAD v4.1: 4 of 1,602,196 alleles (0.00025%); highest among the groups gnomAD compares: African/African-American, 0.0041%; no homozygotes.

Submissions (2):

Ambry Genetics
Classification: Uncertain significance for Inborn genetic diseases. Last evaluated: 2026-01-14. Review status: criteria provided, single submitter. Criteria: Ambry Variant Classification Scheme 2023. Collection method: clinical testing. Allele origin: germline.
Comment: The c.1934C>T (p.T645I) alteration is located in exon 11 (coding exon 11) of the ANKRD17 gene. This alteration results from a C to T substitution at nucleotide position 1934, causing the threonine (T) at amino acid position 645 to be replaced by an isoleucine (I). Based on data from gnomAD, the T allele has an overall frequency of <0.001% (1/244038) total alleles studied. The highest observed frequency was 0.006% (1/15954) of African alleles. Based on insufficient or conflicting evidence, the clinical significance of this alteration remains unclear.

PreventionGenetics, part of Exact Sciences
Classification: Uncertain significance for ANKRD17-related condition. Last evaluated: 2022-09-30. Review status: criteria provided, single submitter. Criteria: ACMG Guidelines, 2015. Collection method: clinical testing. Allele origin: germline.
Comment: The ANKRD17 c.1934C>T variant is predicted to result in the amino acid substitution p.Thr645Ile. To our knowledge, this variant has not been reported in the literature. This variant is reported in 0.0063% of alleles in individuals of African descent in gnomAD. At this time, the clinical significance of this variant is uncertain due to the absence of conclusive functional and genetic evidence.

NM_032217.5(ANKRD17):c.1934C>T (p.Thr645Ile)

Gene: ANKRD17 (ankyrin repeat domain 17; minus strand). Cytogenetic location: 4q13.3.
Variant type: single nucleotide variant.
Coding change: c.1934C>T on transcript NM_032217.5 (MANE Select); coding-DNA position 1934, C replaced by T.
Protein change: p.Thr645Ile; replaces threonine 645 with isoleucine.
Molecular consequence: missense variant.
Genome position (GRCh38, 1-based): chr4:73,144,768, G>A on the plus strand (C>T on the coding strand, the complement: ANKRD17 is on the minus strand). VCF-style: chr4-73144768-G-A. GRCh37 (hg19) VCF-style: chr4-74010485-G-A.
Other names: c.1595C>T, p.Thr532Ile (NM_001286771.3); c.1934C>T, p.Thr645Ile (NM_015574.2, NM_198889.3); c.1934C>T (NM_032217.3); short protein forms T532I, T645I.
Identifiers: ClinVar variation 2637320 (VCV002637320.2), dbSNP rs376586263, ClinGen allele CA2958846.